The following is an entry in ClinVar:

NM_004999.4(MYO6):c.2755C>T (p.Gln919Ter)

Gene: MYO6 (myosin VI; plus strand). Cytogenetic location: 6q14.1.
Variant type: single nucleotide variant.
Coding change: c.2755C>T on transcript NM_004999.4 (MANE Select); coding-DNA position 2755, C replaced by T.
Protein change: p.Gln919Ter; replaces glutamine 919 with a stop codon.
Molecular consequence: nonsense. On other transcripts: non-coding transcript variant (1).
Genome position (GRCh38, 1-based): chr6:75,890,153, C>T. VCF-style: chr6-75890153-C-T. GRCh37 (hg19) VCF-style: chr6-76599870-C-T.
Other names: c.2755C>T, p.Gln919Ter (NM_001300899.2, NM_001368136.1, NM_001368137.1 and 2 more transcripts); c.2740C>T, p.Gln914Ter (NM_001368138.1); short protein forms Q914*, Q919*.
Identifiers: ClinVar variation 3030827 (VCV003030827.2), dbSNP rs2535586551, ClinGen allele CA364776776.
Genomic context (GRCh38, chr6:75,890,153, plus strand): 5'-TATGATGCACTGGTTAAAAGCTCAGAGGAACTCCTCAGTGCATTACAGAAAAAAAAACAG[C>T]AGGAAGAGGAAGCAGAAAGGCTGAGGCGTATTCAAGAAGAAATGGAAAAGGAAAGAAAAA-3'

ClinVar aggregate classification (germline): Likely pathogenic (0 of 4 stars; one submission).

Conditions:
MYO6-related disorder. Also called: MYO6-related condition; MYO6-related disorders.

Submission:

PreventionGenetics, part of Exact Sciences
Classification: Likely pathogenic for MYO6-related condition. Last evaluated: 2023-12-21. Review status: no assertion criteria provided. Collection method: clinical testing. Allele origin: germline.
Comment: The MYO6 c.2755C>T variant is predicted to result in premature protein termination (p.Gln919*). To our knowledge, this variant has not been reported in the literature or in a large population database, indicating this variant is rare. Nonsense variants in MYO6 are expected to be pathogenic. This variant is interpreted as likely pathogenic.